The following is an entry in ClinVar:

ClinVar aggregate classification (germline): Uncertain significance (1 of 4 stars; one submission).

Submission:

GeneDx
Classification: Uncertain significance. Last evaluated: 2022-02-17. Review status: criteria provided, single submitter. Criteria: GeneDx Variant Classification Process June 2021. Collection method: clinical testing. Allele origin: germline. Affected: yes.
Comment: Not observed at significant frequency in large population cohorts (gnomAD); In silico analysis supports that this missense variant has a deleterious effect on protein structure/function; Has not been previously published as pathogenic or benign to our knowledge

NM_001025616.3(ARHGAP24):c.482A>G (p.Asp161Gly)

Gene: ARHGAP24 (Rho GTPase activating protein 24; plus strand). Cytogenetic location: 4q21.23.
Variant type: single nucleotide variant.
Coding change: c.482A>G on transcript NM_001025616.3 (MANE Select); coding-DNA position 482, A replaced by G.
Protein change: p.Asp161Gly; replaces aspartic acid 161 with glycine.
Molecular consequence: missense variant. On other transcripts: intron variant (1).
Genome position (GRCh38, 1-based): chr4:85,942,156, A>G. VCF-style: chr4-85942156-A-G. GRCh37 (hg19) VCF-style: chr4-86863309-A-G.
Other names: c.197A>G, p.Asp66Gly (NM_001042669.2); c.227A>G, p.Asp76Gly (NM_001287805.2); c.203A>G, p.Asp68Gly (NM_031305.3); c.20+18386A>G (NM_001346093.2); short protein forms D161G, D66G, D68G, D76G.
Identifiers: ClinVar variation 1702774 (VCV001702774.2), dbSNP rs2148825209, ClinGen allele CA357696908.